The following is an entry in ClinVar:

ClinVar aggregate classification (germline): Pathogenic. Review status: criteria provided, multiple submitters, no conflicts (2 of 4 stars). 2 submissions from 2 submitters: Pathogenic (2). Last evaluated 2025-04-03.

Conditions:
Nemaline myopathy 2 (NEM2). Also called: Nemaline myopathy 2, autosomal recessive. Identifiers: MedGen C1850569, MONDO:0009725, OMIM 256030.

Submissions (2):

Myriad Genetics, Inc.
Classification: Pathogenic for Nemaline myopathy 2. Last evaluated: 2025-04-03. Review status: criteria provided, single submitter. Criteria: Myriad Autosomal Dominant, Autosomal Recessive and X-Linked Classification Criteria (2023). Collection method: clinical testing. Allele origin: unknown.
Comment: NM_001271208.1(NEB):c.6067_6068delAT(M2023Efs*2) is expected to be pathogenic in the context of NEB-related nemaline myopathy. This variant is predicted to lead to an abnormal or absent protein product due to the creation of a premature termination codon in NEB, a gene where loss-of-function variants are known to be pathogenic. Please note: this variant was assessed in the context of healthy population screening.

Labcorp Genetics (formerly Invitae), Labcorp
Classification: Pathogenic for Nemaline myopathy 2. Last evaluated: 2023-04-11. Review status: criteria provided, single submitter. Criteria: Invitae Variant Classification Sherloc (09022015). Collection method: clinical testing. Allele origin: germline.
Comment: For these reasons, this variant has been classified as Pathogenic. This variant has not been reported in the literature in individuals affected with NEB-related conditions. This variant is not present in population databases (gnomAD no frequency). This sequence change creates a premature translational stop signal (p.Met2023Glufs*2) in the NEB gene. It is expected to result in an absent or disrupted protein product. Loss-of-function variants in NEB are known to be pathogenic (PMID: 25205138).

Literature cited by the submitters: PubMed 25205138 (cited by Labcorp Genetics (formerly Invitae), Labcorp).

NM_001164508.2(NEB):c.6067_6068del (p.Met2023fs)

Gene: NEB (nebulin; minus strand). Cytogenetic location: 2q23.3.
Variant type: Microsatellite.
Coding change: c.6067_6068del on transcript NM_001164508.2 (MANE Select); coding-DNA positions 6067 to 6068, 2 bases deleted (AT; older notation c.6067_6068delAT).
Protein change: p.Met2023fs; shifts the reading frame from methionine 2023.
Molecular consequence: frameshift variant.
Genome position (GRCh38, 1-based): chr2:151,659,072-151,659,073, AT deleted on the plus strand (AT on the coding strand, the reverse complement: NEB is on the minus strand); deleting any 2 consecutive bases within chr2:151,659,072-151,659,075 gives the same sequence; the c. name uses the placement nearest the transcript's 3' end. VCF-style (leftmost placement, unchanged base first): chr2-151659071-CAT-C. GRCh37 (hg19) VCF-style: chr2-152515585-CAT-C.
Other names: c.6067_6068del, p.Met2023fs (NM_004543.5, NM_001164507.2, NM_001271208.2); short protein forms M2023fs.
Identifiers: ClinVar variation 2855137 (VCV002855137.4), dbSNP rs2552254223, ClinGen allele CA2739271411.